The following is an entry in ClinVar:

ClinVar aggregate classification (germline): Pathogenic (1 of 4 stars; one submission).

Conditions:
Neu-Laxova syndrome 2. Identifiers: Orphanet 2671, Orphanet 583602, MedGen C4015019, MONDO:0014466, OMIM 616038.

Submission:

Labcorp Genetics (formerly Invitae), Labcorp
Classification: Pathogenic for Neu-Laxova syndrome 2. Last evaluated: 2022-06-22. Review status: criteria provided, single submitter. Criteria: Invitae Variant Classification Sherloc (09022015). Collection method: clinical testing. Allele origin: germline.
Comment: A gross deletion of the genomic region encompassing the full coding sequence of the PSAT1 gene has been identified. Loss-of-function variants in PSAT1 are known to be pathogenic (PMID: 17436247, 25152457). The boundaries of this event are unknown as they extend beyond the assayed region for this gene and therefore may encompass additional genes. This variant has not been reported in the literature in individuals affected with PSAT1-related conditions. For these reasons, this variant has been classified as Pathogenic.

Literature cited by the submitters: PubMed 17436247; PubMed 25152457.

NC_000009.11:g.(?_79792621)_(80944002_?)del

Genes: CEP78 (centrosomal protein 78; plus strand), GNA14 (G protein subunit alpha 14; minus strand), GNAQ (G protein subunit alpha q; minus strand), PSAT1 (phosphoserine aminotransferase 1; plus strand), VPS13A (vacuolar protein sorting 13 homolog A; plus strand). Cytogenetic location: 9q21.2.
Variant type: Deletion.
Identifiers: ClinVar variation 1456972 (VCV001456972.4).